The following is an entry in ClinVar:

NM_024426.6(WT1):c.436A>C (p.Lys146Gln)

Genes: WT1 (WT1 transcription factor; minus strand), LOC107982234 (WT1/WT1-AS bi-directional promoter region; plus strand). Cytogenetic location: 11p13.
Variant type: single nucleotide variant.
Coding change: c.436A>C on transcript NM_024426.6 (MANE Select); coding-DNA position 436, A replaced by C.
Protein change: p.Lys146Gln; replaces lysine 146 with glutamine.
Molecular consequence: missense variant. On other transcripts: non-coding transcript variant (2).
Genome position (GRCh38, 1-based): chr11:32,434,925, T>G on the plus strand (A>C on the coding strand, the complement: WT1 is on the minus strand). VCF-style: chr11-32434925-T-G. GRCh37 (hg19) VCF-style: chr11-32456471-T-G.
Other names: c.436A>C, p.Lys146Gln (NM_000378.6, NM_001407044.1, NM_001407045.1 and 6 more transcripts); c.217A>C, p.Lys73Gln (NM_001429031.1, NM_001429032.1, NM_001429033.1 and 1 more transcripts); c.421A>C, p.Lys141Gln (NM_024425.2); short protein forms K141Q, K146Q, K73Q.
Identifiers: ClinVar variation 3074353 (VCV003074353.1), dbSNP rs2494479919, ClinGen allele CA379965638.

ClinVar aggregate classification (germline): Uncertain significance (1 of 4 stars; one submission).

Conditions:
Wilms tumor 1 (WT1). Also called: Wilms tumor, somatic. Identifiers: Orphanet 654, MedGen CN033288, MONDO:0008679, OMIM 194070.

Submission:

All of Us Research Program, National Institutes of Health
Classification: Uncertain significance for Wilms tumor 1. Last evaluated: 2023-11-02. Review status: criteria provided, single submitter. Criteria: ACMG Guidelines, 2015. Collection method: clinical testing. Allele origin: germline. Inheritance: Autosomal dominant inheritance. Observed: 1 variant allele, 1 heterozygote.
Comment: This missense variant replaces lysine with glutamine at codon 141 of the WT1 protein. Computational prediction suggests that this variant may not impact protein structure and function (internally defined REVEL score threshold <= 0.5, PMID: 27666373). To our knowledge, functional studies have not been reported for this variant. This variant has been reported with a covariant WT1 c.424C>T (p.Lys142*) in an individual affected with Wilms tumor and Denys-Drash Syndrome (PMID: 28081536). This variant has not been identified in the general population by the Genome Aggregation Database (gnomAD). The available evidence is insufficient to determine the role of this variant in disease conclusively. Therefore, this variant is classified as a Variant of Uncertain Significance.

This study involves interpretation of variants in research participants for the purpose of population health screening. Participant phenotype was not available at the time of variant classification. Additional details can be found in publication PMID: 35346344, PMCID: PMC8962531

Literature cited by the submitters: PubMed 28081536.